The following is an entry in ClinVar:

ClinVar aggregate classification (germline): Uncertain significance (1 of 4 stars; one submission).

Conditions:
Chédiak-Higashi syndrome (CHS). Also called: Chediak-Higashi Syndrome. Identifiers: Orphanet 167, MedGen C0007965, MONDO:0008963, OMIM 214500.

Allele frequency attached by ClinVar (database versions not stated): gnomAD exomes below 0.00001; ExAC 0.00001; gnomAD 0.00001.
gnomAD v4.1: 8 of 1,613,964 alleles (0.0005%); highest among the groups gnomAD compares: African/African-American, 0.0053%; no homozygotes.

Submission:

Labcorp Genetics (formerly Invitae), Labcorp
Classification: Uncertain significance for Chédiak-Higashi syndrome. Last evaluated: 2025-11-10. Review status: criteria provided, single submitter. Criteria: Invitae Variant Classification Sherloc (09022015). Collection method: clinical testing. Allele origin: germline.
Comment: This sequence change replaces asparagine, which is neutral and polar, with serine, which is neutral and polar, at codon 474 of the LYST protein (p.Asn474Ser). This variant is present in population databases (rs531780017, gnomAD 0.007%). This variant has not been reported in the literature in individuals affected with LYST-related conditions. ClinVar contains an entry for this variant (Variation ID: 1937902). Invitae Evidence Modeling of protein sequence and biophysical properties (such as structural, functional, and spatial information, amino acid conservation, physicochemical variation, residue mobility, and thermodynamic stability) indicates that this missense variant is not expected to disrupt LYST protein function with a negative predictive value of 80%. In summary, the available evidence is currently insufficient to determine the role of this variant in disease. Therefore, it has been classified as a Variant of Uncertain Significance.

NM_000081.4(LYST):c.1421A>G (p.Asn474Ser)

Gene: LYST (lysosomal trafficking regulator; minus strand). Cytogenetic location: 1q42.3.
Variant type: single nucleotide variant.
Coding change: c.1421A>G on transcript NM_000081.4 (MANE Select); coding-DNA position 1421, A replaced by G.
Protein change: p.Asn474Ser; replaces asparagine 474 with serine.
Molecular consequence: missense variant.
Genome position (GRCh38, 1-based): chr1:235,809,397, T>C on the plus strand (A>G on the coding strand, the complement: LYST is on the minus strand). VCF-style: chr1-235809397-T-C. GRCh37 (hg19) VCF-style: chr1-235972697-T-C.
Other names: c.1421A>G, p.Asn474Ser (NM_001301365.1); short protein forms N474S.
Identifiers: ClinVar variation 1937902 (VCV001937902.3), dbSNP rs531780017, ClinGen allele CA1467470.